The following is an entry in ClinVar:

ClinVar aggregate classification (germline): Uncertain significance (1 of 4 stars; one submission).

Conditions:
Hereditary spastic paraplegia 48. Also called: SPASTIC PARAPLEGIA 48, AUTOSOMAL RECESSIVE; Spastic paraplegia 48. Identifiers: Orphanet 306511, MedGen C3150901, MONDO:0013342, OMIM 613647.

gnomAD v4.1: 2 of 1,613,674 alleles (0.00012%); highest among the groups gnomAD compares: Admixed American, 0.0017%; no homozygotes.

Submission:

Labcorp Genetics (formerly Invitae), Labcorp
Classification: Uncertain significance for Hereditary spastic paraplegia 48. Last evaluated: 2022-05-27. Review status: criteria provided, single submitter. Criteria: Invitae Variant Classification Sherloc (09022015). Collection method: clinical testing. Allele origin: germline.
Comment: This sequence change replaces serine, which is neutral and polar, with leucine, which is neutral and non-polar, at codon 53 of the AP5Z1 protein (p.Ser53Leu). This variant is not present in population databases (gnomAD no frequency). This variant has not been reported in the literature in individuals affected with AP5Z1-related conditions. Algorithms developed to predict the effect of missense changes on protein structure and function are either unavailable or do not agree on the potential impact of this missense change (SIFT: "Deleterious"; PolyPhen-2: "Possibly Damaging"; Align-GVGD: "Class C15"). In summary, the available evidence is currently insufficient to determine the role of this variant in disease. Therefore, it has been classified as a Variant of Uncertain Significance.

NM_014855.3(AP5Z1):c.158C>T (p.Ser53Leu)

Gene: AP5Z1 (adaptor related protein complex 5 subunit zeta 1; plus strand). Cytogenetic location: 7p22.1.
Variant type: single nucleotide variant.
Coding change: c.158C>T on transcript NM_014855.3 (MANE Select); coding-DNA position 158, C replaced by T.
Protein change: p.Ser53Leu; replaces serine 53 with leucine.
Molecular consequence: missense variant. On other transcripts: 5 prime UTR variant (1), non-coding transcript variant (1).
Genome position (GRCh38, 1-based): chr7:4,781,291, C>T. VCF-style: chr7-4781291-C-T. GRCh37 (hg19) VCF-style: chr7-4820922-C-T.
Other names: c.-124C>T (NM_001364858.1); short protein forms S53L.
Identifiers: ClinVar variation 2078407 (VCV002078407.4), dbSNP rs774738874, ClinGen allele CA366673878.